The following is an entry in ClinVar:

ClinVar aggregate classification (germline): Uncertain significance (1 of 4 stars; one submission).

Allele frequency attached by ClinVar (database versions not stated): gnomAD exomes below 0.00001.

Submission:

Labcorp Genetics (formerly Invitae), Labcorp
Classification: Uncertain significance. Last evaluated: 2022-03-04. Review status: criteria provided, single submitter. Criteria: Invitae Variant Classification Sherloc (09022015). Collection method: clinical testing. Allele origin: germline.
Comment: This sequence change replaces isoleucine, which is neutral and non-polar, with threonine, which is neutral and polar, at codon 235 of the TNNT3 protein (p.Ile235Thr). This variant is not present in population databases (gnomAD no frequency). This variant has not been reported in the literature in individuals affected with TNNT3-related conditions. Algorithms developed to predict the effect of missense changes on protein structure and function are either unavailable or do not agree on the potential impact of this missense change (SIFT: "Deleterious"; PolyPhen-2: "Benign"; Align-GVGD: "Class C0"). In summary, the available evidence is currently insufficient to determine the role of this variant in disease. Therefore, it has been classified as a Variant of Uncertain Significance.

NM_006757.4(TNNT3):c.704T>C (p.Ile235Thr)

Gene: TNNT3 (troponin T3, fast skeletal type; plus strand). Cytogenetic location: 11p15.5.
Variant type: single nucleotide variant.
Coding change: c.704T>C on transcript NM_006757.4 (MANE Select); coding-DNA position 704, T replaced by C.
Protein change: p.Ile235Thr; replaces isoleucine 235 with threonine.
Molecular consequence: missense variant. On other transcripts: intron variant (2).
Genome position (GRCh38, 1-based): chr11:1,936,985, T>C. VCF-style: chr11-1936985-T-C. GRCh37 (hg19) VCF-style: chr11-1958215-T-C.
Other names: c.698T>C, p.Ile233Thr (NM_001042781.3, NM_001367842.1); c.680T>C, p.Ile227Thr (NM_001042782.3, NM_001297646.2, NM_001367844.1 and 1 more transcripts); c.713T>C, p.Ile238Thr (NM_001363561.2, NM_001367847.1); c.737T>C, p.Ile246Thr (NM_001367846.1); c.701T>C, p.Ile234Thr (NM_001367848.1); c.692T>C, p.Ile231Thr (NM_001367849.1); c.647T>C, p.Ile216Thr (NM_001367850.1); c.500T>C, p.Ile167Thr (NM_001367851.1, NM_001367852.1); and 2 more; short protein forms I234T, I216T, I167T, I231T, I235T, I238T, I246T, I227T.
Identifiers: ClinVar variation 2106781 (VCV002106781.4), dbSNP rs2133534532, ClinGen allele CA379100087.